The following is an entry in ClinVar:

ClinVar aggregate classification (germline): Uncertain significance (1 of 4 stars; one submission).

Submission:

GeneDx
Classification: Uncertain significance. Last evaluated: 2025-05-22. Review status: criteria provided, single submitter. Criteria: GeneDx Variant Classification Process June 2021. Collection method: clinical testing. Allele origin: germline. Affected: yes.
Comment: Not observed at significant frequency in large population cohorts (gnomAD); In silico analysis supports that this missense variant has a deleterious effect on protein structure/function; Has not been previously published as pathogenic or benign to our knowledge; This variant is associated with the following publications: (PMID: 8486616)

NM_024426.6(WT1):c.806C>A (p.Pro269Gln)

Gene: WT1 (WT1 transcription factor; minus strand). Cytogenetic location: 11p13.
Variant type: single nucleotide variant.
Coding change: c.806C>A on transcript NM_024426.6 (MANE Select); coding-DNA position 806, C replaced by A.
Protein change: p.Pro269Gln; replaces proline 269 with glutamine.
Molecular consequence: missense variant. On other transcripts: non-coding transcript variant (2).
Genome position (GRCh38, 1-based): chr11:32,428,037, G>T on the plus strand (C>A on the coding strand, the complement: WT1 is on the minus strand). VCF-style: chr11-32428037-G-T. GRCh37 (hg19) VCF-style: chr11-32449583-G-T.
Other names: c.806C>A, p.Pro269Gln (NM_000378.6, NM_001407044.1, NM_001407045.1 and 4 more transcripts); c.155C>A, p.Pro52Gln (NM_001198551.2, NM_001198552.2); c.683C>A, p.Pro228Gln (NM_001407047.1, NM_001407050.1); c.44C>A, p.Pro15Gln (NM_001407051.1); c.587C>A, p.Pro196Gln (NM_001429031.1, NM_001429032.1, NM_001429033.1 and 1 more transcripts); short protein forms P15Q, P196Q, P228Q, P264Q, P269Q, P52Q.
Identifiers: ClinVar variation 4531030 (VCV004531030.1).